The following is an entry in ClinVar:

ClinVar aggregate classification (germline): Likely benign. Review status: criteria provided, multiple submitters, no conflicts (2 of 4 stars). 5 submissions from 5 submitters: Likely benign (4). 1 of the submissions does not count toward it. Last evaluated 2024-08-28.

Conditions:
CD70-related disorder. Also called: CD70-related condition.

Allele frequency attached by ClinVar (database versions not stated): gnomAD exomes 0.00005 and 0.00010; ExAC 0.00006; gnomAD 0.00006 and 0.00007; TOPMed 0.00006; ESP Exome Variant Server 0.00008.
gnomAD v4.1: 91 of 1,613,814 alleles (0.0056%); highest among the groups gnomAD compares: Middle Eastern, 0.033%; no homozygotes.

Submissions (5):

Blueprint Genetics
Classification: Likely benign. Last evaluated: 2024-08-28. Review status: criteria provided, single submitter. Criteria: ACMG Guidelines, 2015. Collection method: clinical testing. Allele origin: germline.

CeGaT Center for Human Genetics Tuebingen
Classification: Likely benign. Last evaluated: 2022-03-01. Review status: criteria provided, single submitter. Criteria: CeGaT Center For Human Genetics Tuebingen Variant Classification Criteria Version 2. Collection method: clinical testing. Allele origin: germline. Affected: yes. Observed: 1 variant allele.
Comment: CD70: BP4, BP7

Genetic Services Laboratory, University of Chicago
Classification: Likely benign. Last evaluated: 2021-11-15. Review status: criteria provided, single submitter. Criteria: ACMG Guidelines, 2015. Collection method: clinical testing. Allele origin: germline. Affected: no.

Breakthrough Genomics
Classification: Likely benign. Review status: criteria provided, single submitter. Criteria: ACMG Guidelines, 2015. Collection method: not provided. Allele origin: germline. Inheritance: Autosomal recessive inheritance. Affected: yes.

PreventionGenetics, part of Exact Sciences
Classification: Likely benign for CD70-related condition. Last evaluated: 2024-01-24. Review status: no assertion criteria provided. Collection method: clinical testing. Allele origin: germline. Not counted in ClinVar's aggregate classification.
Comment: This variant is classified as likely benign based on ACMG/AMP sequence variant interpretation guidelines (Richards et al. 2015 PMID: 25741868, with internal and published modifications).

NM_001252.5(CD70):c.48G>A (p.Gly16=)

Genes: CD70 (CD70 molecule; minus strand), LOC130063317 (ATAC-STARR-seq lymphoblastoid active region 13847; plus strand). Cytogenetic location: 19p13.3.
Variant type: single nucleotide variant.
Coding change: c.48G>A on transcript NM_001252.5 (MANE Select); coding-DNA position 48, G replaced by A.
Protein change: p.Gly16=; no amino-acid change (glycine 16 retained).
Molecular consequence: synonymous variant.
Genome position (GRCh38, 1-based): chr19:6,590,955, C>T on the plus strand (G>A on the coding strand, the complement: CD70 is on the minus strand). VCF-style: chr19-6590955-C-T. GRCh37 (hg19) VCF-style: chr19-6590966-C-T.
Other names: c.48G>A, p.Gly16= (NM_001330332.2); c.48G>A (NM_001252.4).
Identifiers: ClinVar variation 1338128 (VCV001338128.31), dbSNP rs145065586, ClinGen allele CA9127916.